The following is an entry in ClinVar:

NM_020433.5(JPH2):c.1690C>T (p.Gln564Ter)

Gene: JPH2 (junctophilin 2; minus strand). Cytogenetic location: 20q13.12.
Variant type: single nucleotide variant.
Coding change: c.1690C>T on transcript NM_020433.5 (MANE Select); coding-DNA position 1690, C replaced by T.
Protein change: p.Gln564Ter; replaces glutamine 564 with a stop codon.
Molecular consequence: nonsense.
Genome position (GRCh38, 1-based): chr20:44,115,985, G>A on the plus strand (C>T on the coding strand, the complement: JPH2 is on the minus strand). VCF-style: chr20-44115985-G-A. GRCh37 (hg19) VCF-style: chr20-42744625-G-A.
Other names: short protein forms Q564*.
Identifiers: ClinVar variation 636998 (VCV000636998.7), dbSNP rs1185542895, ClinGen allele CA409100127.

ClinVar aggregate classification (germline): Uncertain significance. Review status: criteria provided, multiple submitters, no conflicts (2 of 4 stars). 2 submissions from 2 submitters: Uncertain significance (2). Last evaluated 2024-09-12.

Conditions:
Hypertrophic cardiomyopathy. Also called: HYPERTROPHIC MYOCARDIOPATHY. Identifiers: Orphanet 217569, MedGen C0007194, MeSH D002312, MONDO:0005045, HP:0001639.

Allele frequency attached by ClinVar (database versions not stated): TOPMed below 0.00001; gnomAD 0.00001; gnomAD exomes 0.00001.
gnomAD v4.1: 9 of 1,578,386 alleles (0.00057%); highest among the groups gnomAD compares: Non-Finnish European, 0.00077%; no homozygotes.

Submissions (2):

Labcorp Genetics (formerly Invitae), Labcorp
Classification: Uncertain significance for Hypertrophic cardiomyopathy. Last evaluated: 2024-09-12. Review status: criteria provided, single submitter. Criteria: Invitae Variant Classification Sherloc (09022015). Collection method: clinical testing. Allele origin: germline.
Comment: This sequence change creates a premature translational stop signal (p.Gln564*) in the JPH2 gene. It is expected to result in an absent or disrupted protein product. However, the current clinical and genetic evidence is not sufficient to establish whether loss-of-function variants in JPH2 cause disease. This variant is not present in population databases (gnomAD no frequency). This variant has not been reported in the literature in individuals affected with JPH2-related conditions. ClinVar contains an entry for this variant (Variation ID: 636998). In summary, the available evidence is currently insufficient to determine the role of this variant in disease. Therefore, it has been classified as a Variant of Uncertain Significance.

Blueprint Genetics
Classification: Uncertain significance. Last evaluated: 2019-03-20. Review status: criteria provided, single submitter. Criteria: ACMG Guidelines, 2015. Collection method: clinical testing. Allele origin: germline.